The following is an entry in ClinVar:

ClinVar aggregate classification (germline): Benign. Review status: criteria provided, multiple submitters, no conflicts (2 of 4 stars). 2 submissions from 2 submitters: Benign (2). Last evaluated 2018-06-14.

Allele frequency attached by ClinVar (database versions not stated): 1000 Genomes Project 0.02137; 1000 Genomes Project 30x 0.02249; TOPMed 0.03752; gnomAD 0.03775 and 0.03825.
gnomAD v4.1: 29,024 of 691,000 alleles (4.2%); highest among the groups gnomAD compares: Non-Finnish European, 5.4%; 768 homozygotes.

Submissions (2):

GeneDx
Classification: Benign. Last evaluated: 2018-06-14. Review status: criteria provided, single submitter. Criteria: GeneDx Variant Classification (06012015). Collection method: clinical testing. Allele origin: germline. Affected: yes.
Comment: This variant is considered likely benign or benign based on one or more of the following criteria: it is a conservative change, it occurs at a poorly conserved position in the protein, it is predicted to be benign by multiple in silico algorithms, and/or has population frequency not consistent with disease.

Breakthrough Genomics
Classification: Benign. Review status: criteria provided, single submitter. Criteria: ACMG Guidelines, 2015. Collection method: not provided. Allele origin: germline. Inheritance: Autosomal dominant inheritance. Affected: yes.

NM_006258.4(PRKG1):c.935+262C>T

Gene: PRKG1 (protein kinase cGMP-dependent 1; plus strand). Cytogenetic location: 10q21.1.
Variant type: single nucleotide variant.
Coding change: c.935+262C>T on transcript NM_006258.4 (MANE Select); 262 bases into the intron after coding-DNA position 935, C replaced by T.
Molecular consequence: intron variant.
Genome position (GRCh38, 1-based): chr10:52,062,893, C>T. VCF-style: chr10-52062893-C-T. GRCh37 (hg19) VCF-style: chr10-53822653-C-T.
Other names: c.890+262C>T (NM_001098512.3).
Identifiers: ClinVar variation 671371 (VCV000671371.2), dbSNP rs17560996, ClinGen allele CA207376771.